The following is an entry in ClinVar:

ClinVar aggregate classification (germline): Pathogenic (1 of 4 stars; one submission).

Conditions:
Early-infantile DEE. Also called: Early infantile epileptic encephalopathy with suppression bursts; Early infantile epileptic encephalopathy; Ohtahara syndrome. Identifiers: Orphanet 1934, MedGen C0393706, MONDO:0800491.

Submission:

Labcorp Genetics (formerly Invitae), Labcorp
Classification: Pathogenic for Early-infantile DEE. Last evaluated: 2020-09-23. Review status: criteria provided, single submitter. Criteria: Invitae Variant Classification Sherloc (09022015). Collection method: clinical testing. Allele origin: germline.
Comment: For these reasons, this variant has been classified as Pathogenic. This variant disrupts the p.Trp384 amino acid residue in SCN1A. Other variant(s) that disrupt this residue have been determined to be pathogenic (PMID: 21248271, 23195492). This suggests that this residue is clinically significant, and that variants that disrupt this residue are likely to be disease-causing. Algorithms developed to predict the effect of missense changes on protein structure and function (SIFT, PolyPhen-2, Align-GVGD) all suggest that this variant is likely to be disruptive, but these predictions have not been confirmed by published functional studies and their clinical significance is uncertain. This variant has been observed in individual(s) with clinical features of SCN1A-related conditions (Invitae). In at least one individual the variant was inherited from an unaffected parent who was apparently germline mosaic. ClinVar contains an entry for this variant (Variation ID: 648421). This variant is not present in population databases (ExAC no frequency). This sequence change replaces tryptophan with serine at codon 384 of the SCN1A protein (p.Trp384Ser). The tryptophan residue is highly conserved and there is a large physicochemical difference between tryptophan and serine.

Literature cited by the submitters: PubMed 21248271; PubMed 23195492.

NM_001165963.4(SCN1A):c.1151G>C (p.Trp384Ser)

Gene: SCN1A (sodium voltage-gated channel alpha subunit 1; minus strand). Cytogenetic location: 2q24.3.
Variant type: single nucleotide variant.
Coding change: c.1151G>C on transcript NM_001165963.4 (MANE Select); coding-DNA position 1151, G replaced by C.
Protein change: p.Trp384Ser; replaces tryptophan 384 with serine.
Molecular consequence: missense variant. On other transcripts: 5 prime UTR variant (1), non-coding transcript variant (1).
Genome position (GRCh38, 1-based): chr2:166,047,646, C>G on the plus strand (G>C on the coding strand, the complement: SCN1A is on the minus strand). VCF-style: chr2-166047646-C-G. GRCh37 (hg19) VCF-style: chr2-166904156-C-G.
Other names: c.1151G>C, p.Trp384Ser (NM_001165964.3, NM_001202435.3, NM_001353948.2 and 10 more transcripts); c.-1275G>C (NM_001353961.2); short protein forms W384S.
Identifiers: ClinVar variation 648421 (VCV000648421.9), dbSNP rs1553547380, ClinGen allele CA349071107.